The following is an entry in ClinVar:

ClinVar aggregate classification (germline): Benign/Likely benign. Review status: criteria provided, multiple submitters, no conflicts (2 of 4 stars). 2 submissions from 2 submitters: Benign (1); Likely benign (1). Last evaluated 2024-09-08.

Conditions:
Familial adenomatous polyposis 1 (FAP1). Also called: POLYPOSIS, ADENOMATOUS INTESTINAL; FAMILIAL ADENOMATOUS POLYPOSIS 1, ATTENUATED. Identifiers: MedGen C2713442, MONDO:0021056, OMIM 175100. Disease mechanism: loss of function.

Submissions (2):

Labcorp Genetics (formerly Invitae), Labcorp
Classification: Likely benign for Familial adenomatous polyposis 1. Last evaluated: 2024-09-08. Review status: criteria provided, single submitter. Criteria: Invitae Variant Classification Sherloc (09022015). Collection method: clinical testing. Allele origin: germline.

Myriad Genetics, Inc.
Classification: Benign for Familial adenomatous polyposis 1. Last evaluated: 2024-02-22. Review status: criteria provided, single submitter. Criteria: Myriad Autosomal Dominant, Autosomal Recessive and X-Linked Classification Criteria (2023). Collection method: clinical testing. Allele origin: unknown.
Comment: This variant is considered benign. This variant is a silent/synonymous amino acid change and it is not expected to impact splicing.

NM_000038.6(APC):c.351A>C (p.Ser117=)

Gene: APC (APC regulator of Wnt signaling pathway; plus strand). Cytogenetic location: 5q22.2.
Variant type: single nucleotide variant.
Coding change: c.351A>C on transcript NM_000038.6 (MANE Select); coding-DNA position 351, A replaced by C.
Protein change: p.Ser117=; no amino-acid change (serine 117 retained).
Molecular consequence: synonymous variant. On other transcripts: 5 prime UTR variant (1).
Genome position (GRCh38, 1-based): chr5:112,767,319, A>C. VCF-style: chr5-112767319-A-C. GRCh37 (hg19) VCF-style: chr5-112103016-A-C.
Other names: c.351A>C, p.Ser117= (NM_001127510.3, NM_001354895.2, NM_001354896.2 and 2 more transcripts); c.381A>C, p.Ser127= (NM_001127511.3, NM_001354897.2, NM_001354902.2); c.276A>C, p.Ser92= (NM_001354898.2, NM_001354904.2); c.174A>C, p.Ser58= (NM_001354900.2, NM_001354901.2, NM_001354905.2); c.-685A>C (NM_001354906.2).
Identifiers: ClinVar variation 799302 (VCV000799302.11), dbSNP rs1294902871, ClinGen allele CA445753366.